The following is an entry in ClinVar:

ClinVar aggregate classification (germline): Uncertain significance. Review status: criteria provided, multiple submitters, no conflicts (2 of 4 stars). 2 submissions from 2 submitters: Uncertain significance (2). Last evaluated 2024-07-24.

Conditions:
Hereditary cancer-predisposing syndrome. Also called: Neoplastic Syndromes, Hereditary; Hereditary neoplastic syndrome; Tumor predisposition; Hereditary Cancer Syndrome. Identifiers: Orphanet 140162, MedGen C0027672, MeSH D009386, MONDO:0015356.

Submissions (2):

Ambry Genetics
Classification: Uncertain significance for Hereditary cancer-predisposing syndrome. Last evaluated: 2024-07-24. Review status: criteria provided, single submitter. Criteria: Ambry Variant Classification Scheme 2023. Collection method: clinical testing. Allele origin: germline.
Comment: The p.G2076S variant (also known as c.6226G>A), located in coding exon 45 of the POLE gene, results from a G to A substitution at nucleotide position 6226. The glycine at codon 2076 is replaced by serine, an amino acid with similar properties. This amino acid position is conserved. In addition, this alteration is predicted to be tolerated by in silico analysis. Based on the available evidence, the clinical significance of this variant remains unclear.

Labcorp Genetics (formerly Invitae), Labcorp
Classification: Uncertain significance. Last evaluated: 2023-04-19. Review status: criteria provided, single submitter. Criteria: Invitae Variant Classification Sherloc (09022015). Collection method: clinical testing. Allele origin: germline.
Comment: This variant has not been reported in the literature in individuals affected with POLE-related conditions. In summary, the available evidence is currently insufficient to determine the role of this variant in disease. Therefore, it has been classified as a Variant of Uncertain Significance. Advanced modeling of protein sequence and biophysical properties (such as structural, functional, and spatial information, amino acid conservation, physicochemical variation, residue mobility, and thermodynamic stability) performed at Invitae indicates that this missense variant is not expected to disrupt POLE protein function. This variant is not present in population databases (gnomAD no frequency). This sequence change replaces glycine, which is neutral and non-polar, with serine, which is neutral and polar, at codon 2076 of the POLE protein (p.Gly2076Ser).

NM_006231.4(POLE):c.6226G>A (p.Gly2076Ser)

Gene: POLE (DNA polymerase epsilon, catalytic subunit; minus strand). Cytogenetic location: 12q24.33.
Variant type: single nucleotide variant.
Coding change: c.6226G>A on transcript NM_006231.4 (MANE Select); coding-DNA position 6226, G replaced by A.
Protein change: p.Gly2076Ser; replaces glycine 2076 with serine.
Molecular consequence: missense variant.
Genome position (GRCh38, 1-based): chr12:132,632,419, C>T on the plus strand (G>A on the coding strand, the complement: POLE is on the minus strand). VCF-style: chr12-132632419-C-T. GRCh37 (hg19) VCF-style: chr12-133209005-C-T.
Other names: c.6226G>A (NM_006231.2); short protein forms G2076S.
Identifiers: ClinVar variation 2898694 (VCV002898694.4), dbSNP rs2138460512, ClinGen allele CA387369623.
Genomic context (GRCh38, chr12:132,632,419, plus strand): 5'-GCAAGTGGGAACCGGGGAGGACAGGAAACATCTCTGAGAGCTCAGTGGAGTTCCGAGAGC[C>T]TGTGACTTTCTTCTGAATCTTCTGAGTGATGGTGAAGAAGCTCTGAGTGAGCTCATTTGC-3'
Protein context (NP_006222.2, residues 2066-2086): ITQKIQKKVT[Gly2076Ser]SRNSTELSEM